The following is an entry in ClinVar:

NM_004247.4(EFTUD2):c.2545G>A (p.Val849Ile)

Gene: EFTUD2 (elongation factor Tu GTP binding domain containing 2; minus strand). Cytogenetic location: 17q21.31.
Variant type: single nucleotide variant.
Coding change: c.2545G>A on transcript NM_004247.4 (MANE Select); coding-DNA position 2545, G replaced by A.
Protein change: p.Val849Ile; replaces valine 849 with isoleucine.
Molecular consequence: missense variant.
Genome position (GRCh38, 1-based): chr17:44,853,312, C>T on the plus strand (G>A on the coding strand, the complement: EFTUD2 is on the minus strand). VCF-style: chr17-44853312-C-T. GRCh37 (hg19) VCF-style: chr17-42930680-C-T.
Other names: c.2440G>A, p.Val814Ile (NM_001142605.2); c.2545G>A, p.Val849Ile (NM_001258353.2); c.2515G>A, p.Val839Ile (NM_001258354.2); c.2545G>A (NM_004247.3); short protein forms V814I, V839I, V849I.
Identifiers: ClinVar variation 3014186 (VCV003014186.4), dbSNP rs372197313, ClinGen allele CA8607456.

ClinVar aggregate classification (germline): Conflicting classifications of pathogenicity. Review status: criteria provided, conflicting classifications (1 of 4 stars). 2 submissions from 2 submitters: Uncertain significance (1); Likely benign (1). Last evaluated 2025-06-24.

Conditions:
Inborn genetic diseases. Identifiers: MedGen C0950123, MeSH D030342.

Allele frequency attached by ClinVar (database versions not stated): ExAC 0.00001; gnomAD 0.00001; gnomAD exomes 0.00001; ESP Exome Variant Server 0.00008.
gnomAD v4.1: 15 of 1,613,862 alleles (0.00093%); highest among the groups gnomAD compares: South Asian, 0.0011%; no homozygotes.

Submissions (2):

Ambry Genetics
Classification: Likely benign for Inborn genetic diseases. Last evaluated: 2025-06-24. Review status: criteria provided, single submitter. Criteria: Ambry Variant Classification Scheme 2023. Collection method: clinical testing. Allele origin: germline.

Labcorp Genetics (formerly Invitae), Labcorp
Classification: Uncertain significance. Last evaluated: 2023-04-25. Review status: criteria provided, single submitter. Criteria: Invitae Variant Classification Sherloc (09022015). Collection method: clinical testing. Allele origin: germline.
Comment: In summary, the available evidence is currently insufficient to determine the role of this variant in disease. Therefore, it has been classified as a Variant of Uncertain Significance. Advanced modeling of protein sequence and biophysical properties (such as structural, functional, and spatial information, amino acid conservation, physicochemical variation, residue mobility, and thermodynamic stability) performed at Invitae indicates that this missense variant is not expected to disrupt EFTUD2 protein function. This variant has not been reported in the literature in individuals affected with EFTUD2-related conditions. This variant is present in population databases (rs372197313, gnomAD 0.004%). This sequence change replaces valine, which is neutral and non-polar, with isoleucine, which is neutral and non-polar, at codon 849 of the EFTUD2 protein (p.Val849Ile).